The following is an entry in ClinVar:

ClinVar aggregate classification (germline): Uncertain significance. Review status: criteria provided, multiple submitters, no conflicts (2 of 4 stars). 3 submissions from 3 submitters: Uncertain significance (3). Last evaluated 2026-01-26.

Conditions:
Inborn genetic diseases. Identifiers: MedGen C0950123, MeSH D030342.
Multiple congenital anomalies-hypotonia-seizures syndrome 1 (MCAHS1). Also called: GLYCOSYLPHOSPHATIDYLINOSITOL BIOSYNTHESIS DEFECT 3; PIGN-CDG; Congenital disorder of glycosylation due to PIGN deficiency. Identifiers: Orphanet 280633, MedGen C3279775, MONDO:0013563, OMIM 614080.

Allele frequency attached by ClinVar (database versions not stated): gnomAD exomes below 0.00001.
gnomAD v4.1: 2 of 1,557,596 alleles (0.00013%); highest among the groups gnomAD compares: African/African-American, 0.0014%; no homozygotes.

Submissions (3):

Labcorp Genetics (formerly Invitae), Labcorp
Classification: Uncertain significance for Multiple congenital anomalies-hypotonia-seizures syndrome 1. Last evaluated: 2026-01-26. Review status: criteria provided, single submitter. Criteria: Invitae Variant Classification Sherloc (09022015). Collection method: clinical testing. Allele origin: germline.
Comment: This sequence change replaces tyrosine, which is neutral and polar, with cysteine, which is neutral and slightly polar, at codon 155 of the PIGN protein (p.Tyr155Cys). This variant is not present in population databases (gnomAD no frequency). This variant has not been reported in the literature in individuals affected with PIGN-related conditions. ClinVar contains an entry for this variant (Variation ID: 2557771). Invitae Evidence Modeling of protein sequence and biophysical properties (such as structural, functional, and spatial information, amino acid conservation, physicochemical variation, residue mobility, and thermodynamic stability) indicates that this missense variant is expected to disrupt PIGN protein function with a positive predictive value of 80%. In summary, the available evidence is currently insufficient to determine the role of this variant in disease. Therefore, it has been classified as a Variant of Uncertain Significance.

Women's Health and Genetics/Laboratory Corporation of America, LabCorp
Classification: Uncertain significance. Last evaluated: 2025-06-09. Review status: criteria provided, single submitter. Criteria: LabCorp Variant Classification Summary - May 2015. Collection method: clinical testing. Allele origin: germline.
Comment: Variant summary: PIGN c.464A>G (p.Tyr155Cys) results in a non-conservative amino acid change in the encoded protein sequence. Algorithms developed to predict the effect of missense changes on protein structure and function are either unavailable or do not agree on the potential impact of this missense change. The variant was absent in 246108 control chromosomes. The available data on variant occurrences in the general population are insufficient to allow any conclusion about variant significance. To our knowledge, no occurrence of c.464A>G in individuals affected with Multiple Congenital Anomalies-Hypotonia Syndrome 1 and no experimental evidence demonstrating its impact on protein function have been reported. ClinVar contains an entry for this variant (Variation ID: 2557771). Based on the evidence outlined above, the variant was classified as uncertain significance.

Ambry Genetics
Classification: Uncertain significance for Inborn genetic diseases. Last evaluated: 2023-06-06. Review status: criteria provided, single submitter. Criteria: Ambry Variant Classification Scheme 2023. Collection method: clinical testing. Allele origin: germline.

NM_176787.5(PIGN):c.464A>G (p.Tyr155Cys)

Gene: PIGN (phosphatidylinositol glycan anchor biosynthesis class N; minus strand). Cytogenetic location: 18q21.33.
Variant type: single nucleotide variant.
Coding change: c.464A>G on transcript NM_176787.5 (MANE Select); coding-DNA position 464, A replaced by G.
Protein change: p.Tyr155Cys; replaces tyrosine 155 with cysteine.
Molecular consequence: missense variant.
Genome position (GRCh38, 1-based): chr18:62,154,630, T>C on the plus strand (A>G on the coding strand, the complement: PIGN is on the minus strand). VCF-style: chr18-62154630-T-C. GRCh37 (hg19) VCF-style: chr18-59821863-T-C.
Other names: c.464A>G, p.Tyr155Cys (NM_012327.6); short protein forms Y155C.
Identifiers: ClinVar variation 2557771 (VCV002557771.4), dbSNP rs1568236804, ClinGen allele CA402602895.
Genomic context (GRCh38, chr18:62,154,630, plus strand): 5'-TCCAGTTTTGTTGCATCTTGAGCACCAAAATCCTCTCTTTTAGCATCATAACTATATGTA[T>C]AAACGTGGTCTCCACTAGCACCTGAAAAGAAAATTTGGAAAAAATAATCTTTTTACAAAA-3'
Protein context (NP_789744.1, residues 145-165): FAKGASGDHV[Tyr155Cys]TYSYDAKRED